The following is an entry in ClinVar:

ClinVar aggregate classification (germline): Benign. Review status: criteria provided, multiple submitters, no conflicts (2 of 4 stars). 12 submissions from 11 submitters: Benign (9). 3 of the submissions do not count toward it. Last evaluated 2026-05-09.

Conditions:
Fibrochondrogenesis 1 (FBCG1). Identifiers: Orphanet 2021, MedGen C3278138, MONDO:0009226, OMIM 228520.
Stickler syndrome type 2 (STL2). Also called: STICKLER SYNDROME, TYPE II; STICKLER SYNDROME, BEADED VITREOUS TYPE; STICKLER SYNDROME, VITREOUS TYPE 2; COL11A1-Related Stickler Syndrome. Identifiers: Orphanet 828, Orphanet 90654, MedGen C1858084, MONDO:0011493, OMIM 604841.

Allele frequency attached by ClinVar (database versions not stated): gnomAD 0.02235 and 0.02418; ESP Exome Variant Server 0.02247; TOPMed 0.02512; gnomAD exomes 0.02804 and 0.02994; 1000 Genomes Project 30x 0.03279; ExAC 0.03318; 1000 Genomes Project 0.03435.
gnomAD v4.1: 44,431 of 1,602,428 alleles (2.8%); highest among the groups gnomAD compares: East Asian, 6%; 783 homozygotes.

Submissions (12):

Women's Health and Genetics/Laboratory Corporation of America, LabCorp
Classification: Benign. Last evaluated: 2026-05-09. Review status: criteria provided, single submitter. Criteria: LabCorp Variant Classification Summary - May 2015. Collection method: clinical testing. Allele origin: germline.

Labcorp Genetics (formerly Invitae), Labcorp
Classification: Benign. Last evaluated: 2026-02-04. Review status: criteria provided, single submitter. Criteria: Invitae Variant Classification Sherloc (09022015). Collection method: clinical testing. Allele origin: germline.

Blueprint Genetics
Classification: Benign. Last evaluated: 2024-11-26. Review status: criteria provided, single submitter. Criteria: ACMG Guidelines, 2015. Collection method: clinical testing. Allele origin: germline.

Illumina Laboratory Services, Illumina
Classification: Benign for Fibrochondrogenesis 1. Last evaluated: 2018-01-13. Review status: criteria provided, single submitter. Criteria: ICSL Variant Classification Criteria 13 December 2019. Collection method: clinical testing. Allele origin: germline.
Comment: This variant was observed in the ICSL laboratory as part of a predisposition screen in an ostensibly healthy population. It had not been previously curated by ICSL or reported in the Human Gene Mutation Database (HGMD: prior to June 1st, 2018), and was therefore a candidate for classification through an automated scoring system. Utilizing variant allele frequency, disease prevalence and penetrance estimates, and inheritance mode, an automated score was calculated to assess if this variant is too frequent to cause the disease. Based on the score and internal cut-off values, a variant classified as benign is not then subjected to further curation. The score for this variant resulted in a classification of benign for this disease.

Illumina Laboratory Services, Illumina
Classification: Benign for Stickler syndrome type 2. Last evaluated: 2018-01-13. Review status: criteria provided, single submitter. Criteria: ICSL Variant Classification Criteria 13 December 2019. Collection method: clinical testing. Allele origin: germline.
Comment: the same text as in the submission from Illumina Laboratory Services, Illumina above.

GeneDx
Classification: Benign. Last evaluated: 2016-10-05. Review status: criteria provided, single submitter. Criteria: GeneDx Variant Classification (06012015). Collection method: clinical testing. Allele origin: germline. Affected: yes.
Comment: This variant is considered likely benign or benign based on one or more of the following criteria: it is a conservative change, it occurs at a poorly conserved position in the protein, it is predicted to be benign by multiple in silico algorithms, and/or has population frequency not consistent with disease.

Eurofins Ntd Llc (ga)
Classification: Benign. Last evaluated: 2014-11-15. Review status: criteria provided, single submitter. Criteria: EGL Classification Definitions 2015. Collection method: clinical testing. Allele origin: germline. Observed: 1 variant allele, 1 heterozygote.

Breakthrough Genomics
Classification: Benign. Review status: criteria provided, single submitter. Criteria: ACMG Guidelines, 2015. Collection method: not provided. Allele origin: germline. Inheritance: Autosomal recessive inheritance. Affected: yes.

PreventionGenetics, part of Exact Sciences
Classification: Benign. Review status: criteria provided, single submitter. Criteria: ACMG Guidelines, 2015. Collection method: clinical testing. Allele origin: germline.

Genome Diagnostics Laboratory, Amsterdam University Medical Center
Classification: Benign. Review status: no assertion criteria provided. Collection method: clinical testing. Allele origin: germline. Affected: yes. Study: VKGL Data-share Consensus. Not counted in ClinVar's aggregate classification.

Genome Diagnostics Laboratory, University Medical Center Utrecht
Classification: Benign. Review status: no assertion criteria provided. Collection method: clinical testing. Allele origin: germline. Affected: yes. Study: VKGL Data-share Consensus. Not counted in ClinVar's aggregate classification.

Joint Genome Diagnostic Labs from Nijmegen and Maastricht, Radboudumc and MUMC+
Classification: Benign. Review status: no assertion criteria provided. Collection method: clinical testing. Allele origin: germline. Affected: yes. Study: VKGL Data-share Consensus. Not counted in ClinVar's aggregate classification.

NM_001854.4(COL11A1):c.1944+11T>C

Gene: COL11A1 (collagen type XI alpha 1 chain; minus strand). Cytogenetic location: 1p21.1.
Variant type: single nucleotide variant.
Coding change: c.1944+11T>C on transcript NM_001854.4 (MANE Select); 11 bases into the intron after coding-DNA position 1944, T replaced by C.
Molecular consequence: intron variant.
Genome position (GRCh38, 1-based): chr1:103,004,433, A>G on the plus strand (T>C on the coding strand, the complement: COL11A1 is on the minus strand). VCF-style: chr1-103004433-A-G. GRCh37 (hg19) VCF-style: chr1-103469989-A-G.
Other names: c.1827+11T>C (NM_001190709.2); c.1980+11T>C (NM_080629.3); c.1596+11T>C (NM_080630.4).
Identifiers: ClinVar variation 195479 (VCV000195479.25), dbSNP rs71664954, ClinGen allele CA201774.